The following is an entry in ClinVar:

NM_004663.5(RAB11A):c.334C>G (p.His112Asp)

Gene: RAB11A (RAB11A, member RAS oncogene family; plus strand). Cytogenetic location: 15q22.31.
Variant type: single nucleotide variant.
Coding change: c.334C>G on transcript NM_004663.5 (MANE Select); coding-DNA position 334, C replaced by G.
Protein change: p.His112Asp; replaces histidine 112 with aspartic acid.
Molecular consequence: missense variant.
Genome position (GRCh38, 1-based): chr15:65,877,859, C>G. VCF-style: chr15-65877859-C-G. GRCh37 (hg19) VCF-style: chr15-66170197-C-G.
Other names: c.334C>G, p.His112Asp (NM_001206836.2); short protein forms H112D.
Identifiers: ClinVar variation 2504376 (VCV002504376.1), dbSNP rs2078198792, ClinGen allele CA392921681.
Genomic context (GRCh38, chr15:65,877,859, plus strand): 5'-GACATTGCTAAACATCTCACATATGAAAATGTAGAGCGATGGCTGAAAGAACTGAGAGAT[C>G]ATGCTGATAGTAACATTGTTATCATGCTTGTGGGCAATAAGAGTGATCTACGTCATCTCA-3'
Protein context (NP_004654.1, residues 102-122): VERWLKELRD[His112Asp]ADSNIVIMLV

ClinVar aggregate classification (germline): Uncertain significance (1 of 4 stars; one submission).

Allele frequency attached by ClinVar (database versions not stated): gnomAD exomes below 0.00001.
gnomAD v4.1: 1 of 1,612,496 alleles (0.000062%); highest among the groups gnomAD compares: Non-Finnish European, 0.000085%; no homozygotes.

Submission:

GeneDx
Classification: Uncertain significance. Last evaluated: 2022-12-02. Review status: criteria provided, single submitter. Criteria: GeneDx Variant Classification Process June 2021. Collection method: clinical testing. Allele origin: germline. Affected: yes.
Comment: Not observed at significant frequency in large population cohorts (gnomAD); In silico analysis supports that this missense variant has a deleterious effect on protein structure/function; Has not been previously published as pathogenic or benign to our knowledge